The following is an entry in ClinVar:

ClinVar aggregate classification (germline): Likely pathogenic (1 of 4 stars; one submission).

Conditions:
Griscelli syndrome type 2 (GS2). Also called: GRISCELLI SYNDROME WITH HEMOPHAGOCYTIC SYNDROME; PAID SYNDROME; PARTIAL ALBINISM AND IMMUNODEFICIENCY SYNDROME. Identifiers: Orphanet 381, Orphanet 79477, MedGen C1868679, MONDO:0011872, OMIM 607624.

Submission:

Diagnostics Services (NGS), CSIR - Centre For Cellular And Molecular Biology
Classification: Likely pathogenic for Griscelli syndrome type 2. Last evaluated: 2023-07-24. Review status: criteria provided, single submitter. Criteria: ACMG Guidelines, 2015. Collection method: clinical testing. Allele origin: germline. Affected: yes. Observed: 1 variant allele, 1 homozygote.
Comment: The c.509_510del variant is not present in publicly available population databases like 1000 Genomes, EVS, Indian Exome Database or our in-house exome database. The variant is present in ExAC and genomAD, at low frequencies. The variant has neither been published in the literature for RAB27A-related conditions nor reported to clinical databases like ClinVar, Human Genome Mutation Database (HGMD) or OMIM, in any affected individuals. In-silico pathogenicity programs like MutationTaster2, CADD, Varsome, Franklin etc predicted this variant to be likely deleterious. This variant causes frameshift at the 170th amino acid position of the wild-type transcript which creates a premature translational stop signal in the altered transcript that may either result in translation of a truncated protein or cause nonsense-mediated decay of the mRNA.

NM_183235.3(RAB27A):c.509_510del (p.Ile170fs)

Gene: RAB27A (RAB27A, member RAS oncogene family; minus strand). Cytogenetic location: 15q21.3.
Variant type: Deletion.
Coding change: c.509_510del on transcript NM_183235.3 (MANE Select); coding-DNA positions 509 to 510, 2 bases deleted (TA; older notation c.509_510delTA).
Protein change: p.Ile170fs; shifts the reading frame from isoleucine 170.
Molecular consequence: frameshift variant.
Genome position (GRCh38, 1-based): chr15:55,205,663-55,205,664, TA deleted on the plus strand (TA on the coding strand, the reverse complement: RAB27A is on the minus strand); deleting any 2 consecutive bases within chr15:55,205,663-55,205,665 gives the same sequence; the c. name uses the placement nearest the transcript's 3' end. VCF-style (leftmost placement, unchanged base first): chr15-55205662-TTA-T. GRCh37 (hg19) VCF-style: chr15-55497860-TTA-T.
Other names: c.509_510del, p.Ile170fs (NM_004580.5, NM_183236.3); c.508_509delAT, p.Ile170Lysfs (NM_183234.3); short protein forms I170fs.
Identifiers: ClinVar variation 2573205 (VCV002573205.1), dbSNP rs775325548, ClinGen allele CA7573548.